The following is an entry in ClinVar:

NM_001370259.2(MEN1):c.758C>A (p.Ser253Ter)

Gene: MEN1 (menin 1; minus strand). Cytogenetic location: 11q13.1.
Variant type: single nucleotide variant.
Coding change: c.758C>A on transcript NM_001370259.2 (MANE Select); coding-DNA position 758, C replaced by A.
Protein change: p.Ser253Ter; replaces serine 253 with a stop codon.
Molecular consequence: nonsense.
Genome position (GRCh38, 1-based): chr11:64,807,577, G>T on the plus strand (C>A on the coding strand, the complement: MEN1 is on the minus strand). VCF-style: chr11-64807577-G-T. GRCh37 (hg19) VCF-style: chr11-64575049-G-T.
Other names: c.773C>A, p.Ser258Ter (NM_000244.4, NM_130800.3, NM_130801.3 and 3 more transcripts); c.758C>A, p.Ser253Ter (NM_001370251.2, NM_001370260.2, NM_001370261.2 and 1 more transcripts); c.653C>A, p.Ser218Ter (NM_001370262.2, NM_001370263.2); short protein forms S253*, S258*, S218*.
Identifiers: ClinVar variation 36536 (VCV000036536.5), dbSNP rs386134259, ClinGen allele CA009595.

ClinVar aggregate classification (germline): Likely pathogenic. Review status: criteria provided, multiple submitters, no conflicts (2 of 4 stars). 2 submissions from 2 submitters: Likely pathogenic (2). Last evaluated 2024-05-01.

Conditions:
Multiple endocrine neoplasia, type 1 (MEN1). Also called: Endocrine adenomatosis multiple; MEN 1; MEA I; MEN I; WERMER SYNDROME. Identifiers: Orphanet 652, MedGen C0025267, MeSH D018761, MONDO:0007540, OMIM 131100.

Submissions (2):

Division of Hepatobiliary and Pancreatic Surgery, Department of Surgery, Yonsei University College of Medicine
Classification: Likely pathogenic for Multiple endocrine neoplasia, type 1. Last evaluated: 2024-05-01. Review status: criteria provided, single submitter. Criteria: ACMG Guidelines, 2015. Collection method: clinical testing. Allele origin: germline. Affected: yes. Observed: 2 variant alleles.

Women's Health and Genetics/Laboratory Corporation of America, LabCorp
Classification: Likely pathogenic for Multiple Endocrine Neoplasia Type 1. Last evaluated: 2011-08-18. Review status: criteria provided, single submitter. Criteria: LabCorp Variant Classification Summary - May 2015. Collection method: curation, clinical testing. Allele origin: germline. Inheritance: autosomal dominant. Affected: yes. Observed: 1 variant allele.
ClinVar note: Converted during submission from likely pathogenic to Likely pathogenic.

Literature cited by the submitters: PubMed 12112656 (cited by Women's Health and Genetics/Laboratory Corporation of America, LabCorp); PubMed 12652570 (cited by Women's Health and Genetics/Laboratory Corporation of America, LabCorp).